The following is an entry in ClinVar:

ClinVar aggregate classification (germline): Conflicting classifications of pathogenicity. Review status: criteria provided, conflicting classifications (1 of 4 stars). 3 submissions from 3 submitters: Uncertain significance (1); Likely benign (2). Last evaluated 2025-12-03.

Conditions:
FG syndrome (FGS). Identifiers: MedGen C0220769, MONDO:0002010.
Familial thoracic aortic aneurysm and aortic dissection (TAAD). Also called: Thoracic aortic aneurysms and dissections. Identifiers: Orphanet 91387, MedGen C4707243, MONDO:0019625.

Allele frequency attached by ClinVar (database versions not stated): gnomAD 0.00001; TOPMed 0.00003.
gnomAD v4.1: 7 of 1,208,207 alleles (0.00058%); highest among the groups gnomAD compares: East Asian, 0.003%; no homozygotes.

Submissions (3):

Labcorp Genetics (formerly Invitae), Labcorp
Classification: Likely benign for FG syndrome. Last evaluated: 2025-12-03. Review status: criteria provided, single submitter. Criteria: Invitae Variant Classification Sherloc (09022015). Collection method: clinical testing. Allele origin: germline.

GeneDx
Classification: Likely benign. Last evaluated: 2020-04-10. Review status: criteria provided, single submitter. Criteria: GeneDx Variant Classification Process June 2021. Collection method: clinical testing. Allele origin: germline. Affected: yes.

Ambry Genetics
Classification: Uncertain significance for Familial thoracic aortic aneurysm and aortic dissection. Last evaluated: 2019-06-26. Review status: criteria provided, single submitter. Criteria: Ambry Variant Classification Scheme 2023. Collection method: clinical testing. Allele origin: germline.
Comment: The p.R632Q variant (also known as c.1895G>A), located in coding exon 13 of the MED12 gene, results from a G to A substitution at nucleotide position 1895. The arginine at codon 632 is replaced by glutamine, an amino acid with highly similar properties. This amino acid position is highly conserved in available vertebrate species. In addition, this alteration is predicted to be tolerated by in silico analysis. Since supporting evidence is limited at this time, the clinical significance of this alteration remains unclear.

NM_005120.3(MED12):c.1895G>A (p.Arg632Gln)

Gene: MED12 (mediator complex subunit 12; plus strand). Cytogenetic location: Xq13.1.
Variant type: single nucleotide variant.
Coding change: c.1895G>A on transcript NM_005120.3 (MANE Select); coding-DNA position 1895, G replaced by A.
Protein change: p.Arg632Gln; replaces arginine 632 with glutamine.
Molecular consequence: missense variant.
Genome position (GRCh38, 1-based): chrX:71,124,309, G>A. VCF-style: chrX-71124309-G-A. GRCh37 (hg19) VCF-style: chrX-70344159-G-A.
Other names: short protein forms R632Q.
Identifiers: ClinVar variation 1193639 (VCV001193639.7), dbSNP rs199582086, ClinGen allele CA330976889.